The following is an entry in ClinVar:

NM_178012.5(TUBB2B):c.673C>T (p.Leu225Phe)

Gene: TUBB2B (tubulin beta 2B class IIb; minus strand). Cytogenetic location: 6p25.2.
Variant type: single nucleotide variant.
Coding change: c.673C>T on transcript NM_178012.5 (MANE Select); coding-DNA position 673, C replaced by T.
Protein change: p.Leu225Phe; replaces leucine 225 with phenylalanine.
Molecular consequence: missense variant.
Genome position (GRCh38, 1-based): chr6:3,225,416, G>A on the plus strand (C>T on the coding strand, the complement: TUBB2B is on the minus strand). VCF-style: chr6-3225416-G-A. GRCh37 (hg19) VCF-style: chr6-3225650-G-A.
Other names: short protein forms L225F.
Identifiers: ClinVar variation 1337281 (VCV001337281.4), dbSNP rs2113819161, ClinGen allele CA362587493.

ClinVar aggregate classification (germline): Likely pathogenic (1 of 4 stars; one submission).

Submission:

Genetic Services Laboratory, University of Chicago
Classification: Likely pathogenic. Last evaluated: 2019-08-20. Review status: criteria provided, single submitter. Criteria: ACMG Guidelines, 2015. Collection method: clinical testing. Allele origin: germline. Affected: yes.
Comment: DNA sequence analysis of the TUBB2B gene demonstrated a sequence change, c.673C>T, in exon 4 that results in an amino acid change, p.Leu225Phe. This sequence change does not appear to have been previously described in patients with TUBB2B-related disorders. This is a novel sequence change that is not present in the population databases (ExAC and gnomAD). The p.Leu225Phe change affects a highly conserved amino acid residue located in a GTPase domain of the TUBB2B protein that is known to be functional (PMID: 21292473). The p.Leu225Phe substitution appears to be deleterious using several in-silico pathogenicity prediction tools (SIFT, PolyPhen2, Align GVGD, REVEL). These collective evidences indicate this p.Leu225Phe change is likely pathogenic.